The following is an entry in ClinVar:

NM_152730.6(TBC1D32):c.769+5G>A

Gene: TBC1D32 (TBC1 domain family member 32; minus strand). Cytogenetic location: 6q22.31.
Variant type: single nucleotide variant.
Coding change: c.769+5G>A on transcript NM_152730.6 (MANE Select); 5 bases into the intron after coding-DNA position 769, G replaced by A.
Molecular consequence: intron variant.
Genome position (GRCh38, 1-based): chr6:121,304,750, C>T on the plus strand (G>A on the coding strand, the complement: TBC1D32 is on the minus strand). VCF-style: chr6-121304750-C-T. GRCh37 (hg19) VCF-style: chr6-121625896-C-T.
Other names: c.769+5G>A (NM_001367759.1, NM_001367760.1).
Identifiers: ClinVar variation 3062022 (VCV003062022.2), dbSNP rs375307834, ClinGen allele CA3981392.

ClinVar aggregate classification (germline): Conflicting classifications of pathogenicity. Review status: criteria provided, conflicting classifications (1 of 4 stars). 2 submissions from 2 submitters: Likely pathogenic (1); Uncertain significance (1). Last evaluated 2025-10-08.

Conditions:
Orofaciodigital syndrome IX. Also called: OFDS IX; ORAL-FACIAL-DIGITAL SYNDROME WITH RETINAL ABNORMALITIES; ORAL-FACIAL-DIGITAL SYNDROME, TYPE IX; OROFACIODIGITAL SYNDROME WITH RETINAL ABNORMALITIES. Identifiers: Orphanet 141007, MedGen C0796102, MONDO:0009795, OMIM 258865.

Allele frequency attached by ClinVar (database versions not stated): gnomAD exomes below 0.00001; TOPMed 0.00002; ESP Exome Variant Server 0.00009; ExAC 0.00002; gnomAD 0.00001.
gnomAD v4.1: 6 of 1,589,274 alleles (0.00038%); highest among the groups gnomAD compares: Non-Finnish European, 0.00051%; no homozygotes.

Submissions (2):

Labcorp Genetics (formerly Invitae), Labcorp
Classification: Likely pathogenic. Last evaluated: 2025-10-08. Review status: criteria provided, single submitter. Criteria: Invitae Variant Classification Sherloc (09022015). Collection method: clinical testing. Allele origin: germline.
Comment: This sequence change falls in intron 6 of the TBC1D32 gene. It does not directly change the encoded amino acid sequence of the TBC1D32 protein. RNA analysis indicates that this variant induces altered splicing and likely disrupts the C-terminus of the protein. This variant is present in population databases (rs375307834, gnomAD 0.002%). This variant has been observed in individual(s) with oro-facial-digital syndrome (PMID: 40319332). In at least one individual the data is consistent with being in trans (on the opposite chromosome) from a pathogenic variant. ClinVar contains an entry for this variant (Variation ID: 3062022). Variants that disrupt the consensus splice site are a relatively common cause of aberrant splicing (PMID: 17576681, 9536098). Studies have shown that this variant results in skipping of exon 6 and introduces a new termination codon (PMID: 40319332). However the mRNA is not expected to undergo nonsense-mediated decay. In summary, the currently available evidence indicates that the variant is pathogenic, but additional data are needed to prove that conclusively. Therefore, this variant has been classified as Likely Pathogenic.

Illumina Laboratory Services, Illumina
Classification: Uncertain significance for Orofaciodigital syndrome IX. Last evaluated: 2022-06-10. Review status: criteria provided, single submitter. Criteria: ICSLVariantClassificationCriteria RUGD 01 April 2020. Collection method: clinical testing. Allele origin: unknown.
Comment: The TBC1D32 c.769+5G>A variant occurs in a splice region. To our knowledge, this variant has not been reported in the peer-reviewed literature. This variant is not observed at a significant frequency in version 2.1.1 or 3.1.2 of the Genome Aggregation Database. Multiple in silico tools predict that the c.769+5G>A variant will impact splicing. Based on the available evidence the c.769+5G>A variant is classified as a variant of uncertain significance for oral-facial-digital syndrome type IX.

Literature cited by the submitters: PubMed 40319332 (cited by Labcorp Genetics (formerly Invitae), Labcorp); PubMed 17576681 (cited by Labcorp Genetics (formerly Invitae), Labcorp); PubMed 9536098 (cited by Labcorp Genetics (formerly Invitae), Labcorp).